The following is an entry in ClinVar:

NM_000069.3(CACNA1S):c.3170T>A (p.Met1057Lys)

Gene: CACNA1S (calcium voltage-gated channel subunit alpha1 S; minus strand). Cytogenetic location: 1q32.1.
Variant type: single nucleotide variant.
Coding change: c.3170T>A on transcript NM_000069.3 (MANE Select); coding-DNA position 3170, T replaced by A.
Protein change: p.Met1057Lys; replaces methionine 1057 with lysine.
Molecular consequence: missense variant.
Genome position (GRCh38, 1-based): chr1:201,061,352, A>T on the plus strand (T>A on the coding strand, the complement: CACNA1S is on the minus strand). VCF-style: chr1-201061352-A-T. GRCh37 (hg19) VCF-style: chr1-201030480-A-T.
Other names: short protein forms M1057K.
Identifiers: ClinVar variation 3386334 (VCV003386334.1).
Genomic context (GRCh38, chr1:201,061,352, plus strand): 5'-TTGTACTCAGTCTCTCCCTGCTCCTGGAAGGTGACAATGACGAAGCCCACAAAGATGTTC[A>T]TCATGAAGAAGGCAATGAGGATGATGTAGATGATGAAGAAGATGGCCATCTCCACACGGT-3'
Protein context (NP_000060.2, residues 1047-1067): IYIILIAFFM[Met1057Lys]NIFVGFVIVT

ClinVar aggregate classification (germline): Uncertain significance (1 of 4 stars; one submission).

Conditions:
Malignant hyperthermia, susceptibility to, 5 (MHS5). Also called: CACNA1S-Related Malignant Hyperthermia Susceptibility. Identifiers: Orphanet 423, MedGen C1866077, MONDO:0011163, OMIM 601887.

Submission:

All of Us Research Program, National Institutes of Health
Classification: Uncertain significance for Malignant hyperthermia, susceptibility to, 5. Last evaluated: 2024-08-13. Review status: criteria provided, single submitter. Criteria: ACMG Guidelines, 2015. Collection method: clinical testing. Allele origin: germline. Inheritance: Autosomal dominant inheritance. Observed: 1 variant allele, 1 heterozygote.
Comment: This missense variant replaces methionine with lysine at codon 1057 of the CACNA1S protein. Computational prediction suggests that this variant may have deleterious impact on protein structure and function (internally defined REVEL score threshold >= 0.7, PMID: 27666373). To our knowledge, functional studies have not been reported for this variant. This variant has not been reported in individuals affected with CACNA1S-related disorders in the literature. This variant has been identified in 1/251488 chromosomes in the general population by the Genome Aggregation Database (gnomAD). The available evidence is insufficient to determine the role of this variant in disease conclusively. Therefore, this variant is classified as a Variant of Uncertain Significance.

This study involves interpretation of variants in research participants for the purpose of population health screening. Participant phenotype was not available at the time of variant classification. Additional details can be found in publication PMID: 35346344, PMCID: PMC8962531